The following is an entry in ClinVar:

ClinVar aggregate classification (germline): Pathogenic/Likely pathogenic. Review status: criteria provided, multiple submitters, no conflicts (2 of 4 stars). 3 submissions from 3 submitters: Pathogenic (1); Likely pathogenic (2). Last evaluated 2025-02-04.

Conditions:
Deficiency of acetyl-CoA acetyltransferase. Also called: 3-KETOTHIOLASE DEFICIENCY; 3-OXOTHIOLASE DEFICIENCY; MITOCHONDRIAL ACETOACETYL-CoA THIOLASE DEFICIENCY; Beta-ketothiolase deficiency. Identifiers: Orphanet 134, MedGen C1536500, MONDO:0008760, OMIM 203750. Disease mechanism: loss of function.

Allele frequency attached by ClinVar (database versions not stated): gnomAD exomes below 0.00001 and 0.00001.

Submissions (3):

Natera, Inc.
Classification: Likely pathogenic for Alpha-methylacetoacetic aciduria. Last evaluated: 2025-02-04. Review status: criteria provided, single submitter. Criteria: Natera Variant Classification Schema (03/2026). Collection method: clinical testing. Allele origin: germline.
Comment: The c.30del variant in ACAT1 is a frameshift variant predicted to shift the reading frame beginning at codon 10 and leads to a stop codon 17 codons downstream. This variant is expected to result in nonsense mediated decay, truncation, or a dysfunctional protein product. This variant is rare in the general population with a frequency below the threshold expected for the associated phenotype(s). Given the available evidence, this variant is classified as Likely Pathogenic.

Labcorp Genetics (formerly Invitae), Labcorp
Classification: Pathogenic for Deficiency of acetyl-CoA acetyltransferase. Last evaluated: 2023-12-30. Review status: criteria provided, single submitter. Criteria: Invitae Variant Classification Sherloc (09022015). Collection method: clinical testing. Allele origin: germline.
Comment: This sequence change creates a premature translational stop signal (p.Ser10Argfs*17) in the ACAT1 gene. It is expected to result in an absent or disrupted protein product. Loss-of-function variants in ACAT1 are known to be pathogenic (PMID: 7749408). This variant is not present in population databases (gnomAD no frequency). This variant has not been reported in the literature in individuals affected with ACAT1-related conditions. ClinVar contains an entry for this variant (Variation ID: 1416775). For these reasons, this variant has been classified as Pathogenic.

Baylor Genetics
Classification: Likely pathogenic for Deficiency of acetyl-CoA acetyltransferase. Last evaluated: 2022-10-27. Review status: criteria provided, single submitter. Criteria: ACMG Guidelines, 2015. Collection method: clinical testing. Allele origin: unknown.

Literature cited by the submitters: PubMed 7749408 (cited by Labcorp Genetics (formerly Invitae), Labcorp).

NM_000019.4(ACAT1):c.30del (p.Ser10fs)

Gene: ACAT1 (acetyl-CoA acetyltransferase 1; plus strand). Cytogenetic location: 11q22.3.
Variant type: Deletion.
Coding change: c.30del on transcript NM_000019.4 (MANE Select); coding-DNA position 30, one base deleted (C; older notation c.30delC).
Protein change: p.Ser10fs; shifts the reading frame from serine 10.
Molecular consequence: frameshift variant. On other transcripts: 5 prime UTR variant (3), non-coding transcript variant (2), intron variant (2).
Genome position (GRCh38, 1-based): chr11:108,121,636, C deleted. VCF-style (leftmost placement, unchanged base first): chr11-108121635-GC-G. GRCh37 (hg19) VCF-style: chr11-107992362-GC-G.
Other names: c.30del, p.Ser10fs (NM_001386677.1, NM_001386678.1); c.-248del (NM_001386679.1); c.-335del (NM_001386685.1); c.-340del (NM_001386686.1); c.-416+4734del (NM_001386682.1); c.-199+4734del (NM_001386681.1); c.30del (NM_000019.3); short protein forms S10fs.
Identifiers: ClinVar variation 1416775 (VCV001416775.9), dbSNP rs1565281236, ClinGen allele CA918963300.